The following is an entry in ClinVar:

ClinVar aggregate classification (germline): Benign. Review status: criteria provided, multiple submitters, no conflicts (2 of 4 stars). 2 submissions from 2 submitters: Benign (2). Last evaluated 2018-06-14.

Allele frequency attached by ClinVar (database versions not stated): TOPMed 0.96176; 1000 Genomes Project 0.97005; gnomAD 0.96243 and 0.96285; 1000 Genomes Project 30x 0.97049.

Submissions (2):

GeneDx
Classification: Benign. Last evaluated: 2018-06-14. Review status: criteria provided, single submitter. Criteria: GeneDx Variant Classification (06012015). Collection method: clinical testing. Allele origin: germline. Affected: yes.
Comment: This variant is considered likely benign or benign based on one or more of the following criteria: it is a conservative change, it occurs at a poorly conserved position in the protein, it is predicted to be benign by multiple in silico algorithms, and/or has population frequency not consistent with disease.

Breakthrough Genomics
Classification: Benign. Review status: criteria provided, single submitter. Criteria: ACMG Guidelines, 2015. Collection method: not provided. Allele origin: germline. Inheritance: Autosomal dominant inheritance. Affected: yes.

NM_003280.2(TNNC1):c.-171G>A

Gene: TNNC1 (troponin C1, slow skeletal and cardiac type; minus strand). Cytogenetic location: 3p21.1.
Variant type: single nucleotide variant.
Coding change: c.-171G>A on transcript NM_003280.2; 171 bases upstream of the start codon, G replaced by A.
Genome position (GRCh38, 1-based): chr3:52,454,186, C>T on the plus strand (G>A on the coding strand, the complement: TNNC1 is on the minus strand). VCF-style: chr3-52454186-C-T. GRCh37 (hg19) VCF-style: chr3-52488202-C-T.
Identifiers: ClinVar variation 671944 (VCV000671944.4), dbSNP rs1035002, ClinGen allele CA74777619.